The following is an entry in ClinVar:

ClinVar aggregate classification (germline): Uncertain significance. Review status: criteria provided, multiple submitters, no conflicts (2 of 4 stars). 5 submissions from 5 submitters: Uncertain significance (4). 1 of the submissions does not count toward it. Last evaluated 2026-01-23.

Conditions:
MYO7A-related disorder. Also called: MYO7A-related disorders.
Usher syndrome type 1B (USH1B). Also called: Usher syndrome type IB. Identifiers: MedGen C1848638, MONDO:0700087.

Allele frequency attached by ClinVar (database versions not stated): gnomAD 0.00003; TOPMed 0.00003.

Submissions (5):

Labcorp Genetics (formerly Invitae), Labcorp
Classification: Uncertain significance. Last evaluated: 2026-01-23. Review status: criteria provided, single submitter. Criteria: Invitae Variant Classification Sherloc (09022015). Collection method: clinical testing. Allele origin: germline.
Comment: This sequence change replaces arginine, which is basic and polar, with tryptophan, which is neutral and slightly polar, at codon 1190 of the MYO7A protein (p.Arg1190Trp). This variant is present in population databases (rs782011801, gnomAD 0.006%). This variant has not been reported in the literature in individuals affected with MYO7A-related conditions. ClinVar contains an entry for this variant (Variation ID: 861809). Invitae Evidence Modeling of protein sequence and biophysical properties (such as structural, functional, and spatial information, amino acid conservation, physicochemical variation, residue mobility, and thermodynamic stability) indicates that this missense variant is expected to disrupt MYO7A protein function with a positive predictive value of 95%. In summary, the available evidence is currently insufficient to determine the role of this variant in disease. Therefore, it has been classified as a Variant of Uncertain Significance.

PreventionGenetics, part of Exact Sciences
Classification: Uncertain significance for MYO7A-related condition. Last evaluated: 2025-09-05. Review status: criteria provided, single submitter. Criteria: ACMG Guidelines, 2015. Collection method: clinical testing. Allele origin: germline.
Comment: The MYO7A c.3568C>T variant is predicted to result in the amino acid substitution p.Arg1190Trp. To our knowledge, this variant has not been reported in the literature. This variant is present in 0.0056% of alleles in individuals of East Asian descent in gnomAD. At this time, the clinical significance of this variant is uncertain due to the absence of conclusive functional and genetic evidence.

GeneDx
Classification: Uncertain significance. Last evaluated: 2024-03-03. Review status: criteria provided, single submitter. Criteria: GeneDx Variant Classification Process June 2021. Collection method: clinical testing. Allele origin: germline. Affected: yes.
Comment: In silico analysis supports that this missense variant has a deleterious effect on protein structure/function; This variant is associated with the following publications: (PMID: 30548429)

Blueprint Genetics
Classification: Uncertain significance. Last evaluated: 2017-06-19. Review status: criteria provided, single submitter. Criteria: ACMG Guidelines, 2015. Collection method: clinical testing. Allele origin: germline.

Natera, Inc.
Classification: Uncertain significance for Usher syndrome type 1B. Last evaluated: 2020-02-01. Review status: no assertion criteria provided. Collection method: clinical testing. Allele origin: germline. Not counted in ClinVar's aggregate classification.

NM_000260.4(MYO7A):c.3568C>T (p.Arg1190Trp)

Gene: MYO7A (myosin VIIA; plus strand). Cytogenetic location: 11q13.5.
Variant type: single nucleotide variant.
Coding change: c.3568C>T on transcript NM_000260.4 (MANE Select); coding-DNA position 3568, C replaced by T.
Protein change: p.Arg1190Trp; replaces arginine 1190 with tryptophan.
Molecular consequence: missense variant.
Genome position (GRCh38, 1-based): chr11:77,189,408, C>T. VCF-style: chr11-77189408-C-T. GRCh37 (hg19) VCF-style: chr11-76900453-C-T.
Other names: c.3568C>T, p.Arg1190Trp (NM_001127180.2); c.3535C>T, p.Arg1179Trp (NM_001369365.1); short protein forms R1190W, R1179W.
Identifiers: ClinVar variation 861809 (VCV000861809.9), dbSNP rs782011801, ClinGen allele CA6198116.